The following is an entry in ClinVar:

ClinVar aggregate classification (germline): Uncertain significance. Review status: criteria provided, multiple submitters, no conflicts (2 of 4 stars). 2 submissions from 2 submitters: Uncertain significance (2). Last evaluated 2022-10-26.

Conditions:
Inborn genetic diseases. Identifiers: MedGen C0950123, MeSH D030342.
Neutral lipid storage myopathy (NLSDM). Also called: NEUTRAL LIPID STORAGE DISEASE WITHOUT ICHTHYOSIS. Identifiers: Orphanet 98908, MedGen C1853136, MONDO:0012545, OMIM 610717.

Allele frequency attached by ClinVar (database versions not stated): gnomAD exomes below 0.00001; TOPMed below 0.00001; ExAC 0.00001.

Submissions (2):

Ambry Genetics
Classification: Uncertain significance for Inborn genetic diseases. Last evaluated: 2022-10-26. Review status: criteria provided, single submitter. Criteria: Ambry Variant Classification Scheme 2023. Collection method: clinical testing. Allele origin: germline.

Labcorp Genetics (formerly Invitae), Labcorp
Classification: Uncertain significance for Neutral lipid storage myopathy. Last evaluated: 2022-08-23. Review status: criteria provided, single submitter. Criteria: Invitae Variant Classification Sherloc (09022015). Collection method: clinical testing. Allele origin: germline.
Comment: This sequence change replaces proline, which is neutral and non-polar, with serine, which is neutral and polar, at codon 291 of the PNPLA2 protein (p.Pro291Ser). The frequency data for this variant in the population databases is considered unreliable, as metrics indicate poor data quality at this position in the gnomAD database. This variant has not been reported in the literature in individuals affected with PNPLA2-related conditions. ClinVar contains an entry for this variant (Variation ID: 644798). Algorithms developed to predict the effect of missense changes on protein structure and function output the following: SIFT: "Tolerated"; PolyPhen-2: "Benign"; Align-GVGD: "Class C0". The serine amino acid residue is found in multiple mammalian species, which suggests that this missense change does not adversely affect protein function. In summary, the available evidence is currently insufficient to determine the role of this variant in disease. Therefore, it has been classified as a Variant of Uncertain Significance.

NM_020376.4(PNPLA2):c.871C>T (p.Pro291Ser)

Gene: PNPLA2 (patatin like domain 2, triacylglycerol lipase; plus strand). Cytogenetic location: 11p15.5.
Variant type: single nucleotide variant.
Coding change: c.871C>T on transcript NM_020376.4 (MANE Select); coding-DNA position 871, C replaced by T.
Protein change: p.Pro291Ser; replaces proline 291 with serine.
Molecular consequence: missense variant.
Genome position (GRCh38, 1-based): chr11:823,807, C>T. VCF-style: chr11-823807-C-T. GRCh37 (hg19) VCF-style: chr11-823807-C-T.
Other names: short protein forms P291S.
Identifiers: ClinVar variation 644798 (VCV000644798.8), dbSNP rs774103876, ClinGen allele CA5791206.